The following is an entry in ClinVar:

NM_001206744.2(TPO):c.482+1G>A

Gene: TPO (thyroid peroxidase; plus strand). Cytogenetic location: 2p25.3.
Variant type: single nucleotide variant.
Coding change: c.482+1G>A on transcript NM_001206744.2 (MANE Select); the canonical splice donor site of the intron after coding-DNA position 482, G replaced by A.
Molecular consequence: splice donor variant.
Genome position (GRCh38, 1-based): chr2:1,436,385, G>A. VCF-style: chr2-1436385-G-A. GRCh37 (hg19) VCF-style: chr2-1440157-G-A.
Other names: c.482+1G>A (NM_000547.6, NM_175719.4, NM_001206745.2 and 3 more transcripts).
Identifiers: ClinVar variation 3584378 (VCV003584378.3).

ClinVar aggregate classification (germline): Likely pathogenic. Review status: criteria provided, multiple submitters, no conflicts (2 of 4 stars). 2 submissions from 2 submitters: Likely pathogenic (2). Last evaluated 2024-03-01.

Conditions:
Deficiency of iodide peroxidase (TDH2A). Also called: HYPOTHYROIDISM, CONGENITAL, DUE TO DYSHORMONOGENESIS, 2A; IODIDE PEROXIDASE DEFICIENCY; THYROID HORMONOGENESIS, GENETIC DEFECT IN, 2A; THYROID PEROXIDASE DEFICIENCY; Thyroid dyshormonogenesis 2A. Identifiers: Orphanet 95716, MedGen C1291299, MONDO:0010133, OMIM 274500.

gnomAD v4.1: 4 of 1,614,042 alleles (0.00025%); highest among the groups gnomAD compares: Non-Finnish European, 0.00034%; no homozygotes.

Submissions (2):

Labcorp Genetics (formerly Invitae), Labcorp
Classification: Likely pathogenic. Last evaluated: 2024-03-01. Review status: criteria provided, single submitter. Criteria: Invitae Variant Classification Sherloc (09022015). Collection method: clinical testing. Allele origin: germline.
Comment: This sequence change affects a donor splice site in intron 5 of the TPO gene. It is expected to disrupt RNA splicing. Variants that disrupt the donor or acceptor splice site typically lead to a loss of protein function (PMID: 16199547), and loss-of-function variants in TPO are known to be pathogenic (PMID: 11061528, 23236987, 25564141). The frequency data for this variant in the population databases is considered unreliable, as metrics indicate poor data quality at this position in the gnomAD database. This variant has not been reported in the literature in individuals affected with TPO-related conditions. Algorithms developed to predict the effect of sequence changes on RNA splicing suggest that this variant may disrupt the consensus splice site. In summary, the currently available evidence indicates that the variant is pathogenic, but additional data are needed to prove that conclusively. Therefore, this variant has been classified as Likely Pathogenic.

Fulgent Genetics
Classification: Likely pathogenic for Deficiency of iodide peroxidase. Last evaluated: 2024-01-23. Review status: criteria provided, single submitter. Criteria: ACMG Guidelines, 2015. Collection method: clinical testing. Allele origin: germline.

Literature cited by the submitters: PubMed 16199547 (cited by Labcorp Genetics (formerly Invitae), Labcorp); PubMed 11061528 (cited by Labcorp Genetics (formerly Invitae), Labcorp); PubMed 23236987 (cited by Labcorp Genetics (formerly Invitae), Labcorp); PubMed 25564141 (cited by Labcorp Genetics (formerly Invitae), Labcorp).